The following is an entry in ClinVar:

NM_182961.4(SYNE1):c.12000G>A (p.Ala4000=)

Gene: SYNE1 (spectrin repeat containing nuclear envelope protein 1; minus strand). Cytogenetic location: 6q25.2.
Variant type: single nucleotide variant.
Coding change: c.12000G>A on transcript NM_182961.4 (MANE Select); coding-DNA position 12000, G replaced by A.
Protein change: p.Ala4000=; no amino-acid change (alanine 4000 retained).
Molecular consequence: synonymous variant.
Genome position (GRCh38, 1-based): chr6:152,347,137, C>T on the plus strand (G>A on the coding strand, the complement: SYNE1 is on the minus strand). VCF-style: chr6-152347137-C-T. GRCh37 (hg19) VCF-style: chr6-152668272-C-T.
Other names: p.Ala3929=; c.11787G>A, p.Ala3929= (NM_033071.5); c.12000G>A (NM_182961.2).
Identifiers: ClinVar variation 198654 (VCV000198654.88), dbSNP rs148493518, ClinGen allele CA203545.

ClinVar aggregate classification (germline): Benign/Likely benign. Review status: criteria provided, multiple submitters, no conflicts (2 of 4 stars). 13 submissions from 12 submitters: Benign (8); Likely benign (3). 2 of the submissions do not count toward it. Last evaluated 2026-09-01.

Conditions:
Emery-Dreifuss muscular dystrophy 4, autosomal dominant (EDMD4). Also called: EMERY-DREIFUSS MUSCULAR DYSTROPHY 4 WITH VARIABLE FEATURES. Identifiers: Orphanet 261, MedGen C2751807, MONDO:0013071, OMIM 612998.
Autosomal recessive ataxia, Beauce type. Also called: SYNE1 Deficiency; ATAXIA, RECESSIVE, OF BEAUCE; Spinocerebellar ataxia, autosomal recessive 8; SYNE1-Related Autosomal Recessive Cerebellar Ataxia. Identifiers: Orphanet 88644, MedGen C1853116, MONDO:0012549, OMIM 610743.

Allele frequency attached by ClinVar (database versions not stated): 1000 Genomes Project 30x 0.00219; 1000 Genomes Project 0.00240; TOPMed 0.00488; gnomAD 0.00535 and 0.00546; ESP Exome Variant Server 0.00561.
gnomAD v4.1: 10,309 of 1,614,152 alleles (0.64%); highest among the groups gnomAD compares: Non-Finnish European, 0.71%; 54 homozygotes.

Submissions (13):

CeGaT Center for Human Genetics Tuebingen
Classification: Likely benign. Last evaluated: 2026-09-01. Review status: criteria provided, single submitter. Criteria: CeGaT Center For Human Genetics Tuebingen Variant Classification Criteria Version 2. Collection method: clinical testing. Allele origin: germline. Affected: yes. Observed: 35 variant alleles.
Comment: SYNE1: BP4, BP7, BS2

Labcorp Genetics (formerly Invitae), Labcorp
Classification: Benign for Emery-Dreifuss muscular dystrophy 4, autosomal dominant; Autosomal recessive ataxia, Beauce type. Last evaluated: 2026-01-26. Review status: criteria provided, single submitter. Criteria: Invitae Variant Classification Sherloc (09022015). Collection method: clinical testing. Allele origin: germline.

Athena Diagnostics
Classification: Benign. Last evaluated: 2025-01-22. Review status: criteria provided, single submitter. Criteria: Athena Diagnostics Criteria. Collection method: clinical testing. Allele origin: unknown.
Comment: The frequency of this variant in the general population is higher than would generally be expected for pathogenic variants in this gene. Computational tools yielded predictions that this variant is unlikely to have an effect on normal RNA splicing. This nucleotide position exhibits low evolutionary conservation.

ARUP Laboratories, Molecular Genetics and Genomics, ARUP Laboratories
Classification: Benign. Last evaluated: 2021-02-05. Review status: criteria provided, single submitter. Criteria: ARUP Molecular Germline Variant Investigation Process 2021. Collection method: clinical testing. Allele origin: germline.

Illumina Laboratory Services, Illumina
Classification: Benign for Emery-Dreifuss muscular dystrophy 4, autosomal dominant. Last evaluated: 2018-01-12. Review status: criteria provided, single submitter. Criteria: ICSL Variant Classification Criteria 13 December 2019. Collection method: clinical testing. Allele origin: germline.
Comment: This variant was observed in the ICSL laboratory as part of a predisposition screen in an ostensibly healthy population. It had not been previously curated by ICSL or reported in the Human Gene Mutation Database (HGMD: prior to June 1st, 2018), and was therefore a candidate for classification through an automated scoring system. Utilizing variant allele frequency, disease prevalence and penetrance estimates, and inheritance mode, an automated score was calculated to assess if this variant is too frequent to cause the disease. Based on the score and internal cut-off values, a variant classified as benign is not then subjected to further curation. The score for this variant resulted in a classification of benign for this disease.

Illumina Laboratory Services, Illumina
Classification: Likely benign for Autosomal recessive ataxia, Beauce type. Last evaluated: 2018-01-12. Review status: criteria provided, single submitter. Criteria: ICSL Variant Classification Criteria 13 December 2019. Collection method: clinical testing. Allele origin: germline.
Comment: This variant was observed in the ICSL laboratory as part of a predisposition screen in an ostensibly healthy population. It had not been previously curated by ICSL or reported in the Human Gene Mutation Database (HGMD: prior to June 1st, 2018), and was therefore a candidate for classification through an automated scoring system. Utilizing variant allele frequency, disease prevalence and penetrance estimates, and inheritance mode, an automated score was calculated to assess if this variant is too frequent to cause the disease. Based on the score and internal cut-off values, a variant classified as likely benign is not then subjected to further curation. The score for this variant resulted in a classification of likely benign for this disease.

Mayo Clinic Laboratories, Mayo Clinic
Classification: Benign. Last evaluated: 2017-12-11. Review status: criteria provided, single submitter. Criteria: ACMG Guidelines, 2015. Collection method: clinical testing. Allele origin: germline. Observed: 8 variant alleles.

GeneDx
Classification: Benign. Last evaluated: 2016-08-30. Review status: criteria provided, single submitter. Criteria: GeneDx Variant Classification (06012015). Collection method: clinical testing. Allele origin: germline. Affected: yes.
Comment: This variant is considered likely benign or benign based on one or more of the following criteria: it is a conservative change, it occurs at a poorly conserved position in the protein, it is predicted to be benign by multiple in silico algorithms, and/or has population frequency not consistent with disease.

Eurofins Ntd Llc (ga)
Classification: Benign. Last evaluated: 2014-12-03. Review status: criteria provided, single submitter. Criteria: EGL Classification Definitions 2015. Collection method: clinical testing. Allele origin: germline. Observed: 1 variant allele, 1 heterozygote.

Breakthrough Genomics
Classification: Likely benign. Review status: criteria provided, single submitter. Criteria: ACMG Guidelines, 2015. Collection method: not provided. Allele origin: germline. Inheritance: Autosomal recessive inheritance. Affected: yes.

PreventionGenetics, part of Exact Sciences
Classification: Benign. Review status: criteria provided, single submitter. Criteria: ACMG Guidelines, 2015. Collection method: clinical testing. Allele origin: germline.

Clinical Genetics DNA and cytogenetics Diagnostics Lab, Erasmus MC, Erasmus Medical Center
Classification: Likely benign. Review status: no assertion criteria provided. Collection method: clinical testing. Allele origin: germline. Affected: yes. Study: VKGL Data-share Consensus. Not counted in ClinVar's aggregate classification.

Clinical Genetics, Academic Medical Center
Classification: Benign. Review status: no assertion criteria provided. Collection method: clinical testing. Allele origin: germline. Affected: yes. Study: VKGL Data-share Consensus. Not counted in ClinVar's aggregate classification.

Literature cited by the submitters: PubMed 22162184 (cited by Athena Diagnostics).